The following is an entry in ClinVar:

ClinVar aggregate classification (germline): Pathogenic/Likely pathogenic. Review status: criteria provided, multiple submitters, no conflicts (2 of 4 stars). 4 submissions from 4 submitters: Pathogenic (2); Likely pathogenic (2). Last evaluated 2023-12-02.

Conditions:
SPRED1-related disorder. Also called: SPRED1-related condition.
Legius syndrome. Identifiers: Orphanet 137605, MedGen C1969623, MONDO:0012669, OMIM 611431. Disease mechanism: loss of function.

Submissions (4):

Labcorp Genetics (formerly Invitae), Labcorp
Classification: Pathogenic for Legius syndrome. Last evaluated: 2023-12-02. Review status: criteria provided, single submitter. Criteria: Invitae Variant Classification Sherloc (09022015). Collection method: clinical testing. Allele origin: germline.
Comment: This sequence change creates a premature translational stop signal (p.Glu384Glyfs*5) in the SPRED1 gene. While this is not anticipated to result in nonsense mediated decay, it is expected to disrupt the last 61 amino acid(s) of the SPRED1 protein. This variant is not present in population databases (gnomAD no frequency). This variant has not been reported in the literature in individuals affected with SPRED1-related conditions. ClinVar contains an entry for this variant (Variation ID: 241989). This variant disrupts a region of the SPRED1 protein in which other variant(s) (p.Gly385Ilefs*20) have been determined to be pathogenic (PMID: 17704776, 19443465, 19920235, 21089071). This suggests that this is a clinically significant region of the protein, and that variants that disrupt it are likely to be disease-causing. For these reasons, this variant has been classified as Pathogenic.

Blueprint Genetics
Classification: Pathogenic for SPRED1-related disorders. Last evaluated: 2023-09-12. Review status: criteria provided, single submitter. Criteria: ACMG Guidelines, 2015. Collection method: clinical testing. Allele origin: germline. Affected: yes. Observed: 1 variant allele.

GeneDx
Classification: Likely pathogenic. Last evaluated: 2022-04-25. Review status: criteria provided, single submitter. Criteria: GeneDx Variant Classification Process June 2021. Collection method: clinical testing. Allele origin: germline. Affected: yes.
Comment: Frameshift variant predicted to result in protein truncation, as the last 61 amino acids are replaced with 4 different amino acids, and other loss-of-function variants have been reported downstream in HGMD; Not observed at significant frequency in large population cohorts (gnomAD); Observed in three affected members of a family with Legius syndrome in published literature (Bixel 2020); This variant is associated with the following publications: (PMID: 17704776, 21089071, 19920235, 19443465, 15683364, 33088508)

Juno Genomics, Hangzhou Juno Genomics, Inc
Classification: Likely pathogenic for Legius syndrome. Review status: criteria provided, single submitter. Criteria: ACMG Guidelines, 2015. Collection method: clinical testing. Allele origin: germline. Affected: yes.
Comment: Null variant in a gene where loss of function (LOF) is a known mechanism of disease.;Absent from controls (or at extremely low frequency if recessive) in Genome Aggregation Database, Exome Sequencing Project, 1000 Genomes Project, or Exome Aggregation Consortium.;The prevalence of the variant in affected individuals is significantly increased compared to the prevalence in controls.;Co-segregation with disease in multiple affected family members in a gene definitively known to cause the disease.;Patient's phenotype or family history is highly specific for a disease with a single genetic etiology.

Literature cited by the submitters: PubMed 17704776 (cited by Labcorp Genetics (formerly Invitae), Labcorp); PubMed 19443465 (cited by Labcorp Genetics (formerly Invitae), Labcorp); PubMed 19920235 (cited by Labcorp Genetics (formerly Invitae), Labcorp); PubMed 21089071 (cited by Labcorp Genetics (formerly Invitae), Labcorp).

NM_152594.3(SPRED1):c.1151_1152del (p.Glu384fs)

Gene: SPRED1 (sprouty related EVH1 domain containing 1; plus strand). Cytogenetic location: 15q14.
Variant type: Microsatellite.
Coding change: c.1151_1152del on transcript NM_152594.3 (MANE Select); coding-DNA positions 1151 to 1152, 2 bases deleted (AG; older notation c.1151_1152delAG).
Protein change: p.Glu384fs; shifts the reading frame from glutamic acid 384.
Molecular consequence: frameshift variant.
Genome position (GRCh38, 1-based): chr15:38,351,480-38,351,481, AG deleted; deleting any 2 consecutive bases within chr15:38,351,478-38,351,481 gives the same sequence; the c. name uses the placement nearest the transcript's 3' end. VCF-style (leftmost placement, unchanged base first): chr15-38351477-CAG-C. GRCh37 (hg19) VCF-style: chr15-38643678-CAG-C.
Other names: c.1151_1152delAG (NM_152594.2); short protein forms E384fs.
Identifiers: ClinVar variation 241989 (VCV000241989.12), dbSNP rs878855228, ClinGen allele CA10583236.